The following is an entry in ClinVar:

ClinVar aggregate classification (germline): Likely pathogenic (1 of 4 stars; one submission).

Conditions:
Primary ciliary dyskinesia. Also called: Ciliary dyskinesia. Identifiers: Orphanet 244, MedGen C0008780, MONDO:0016575, HP:0012265.

Submission:

Natera, Inc.
Classification: Likely pathogenic for Primary ciliary dyskinesia. Last evaluated: 2024-06-28. Review status: criteria provided, single submitter. Criteria: Natera Variant Classification Schema (03/2026). Collection method: clinical testing. Allele origin: germline.
Comment: The c.5083C>T variant in DNAH5 is a nonsense variant predicted to introduce a stop codon at amino acid 1695. This variant is expected to result in nonsense mediated decay, truncation, or a dysfunctional protein product. This variant is rare in the general population with a frequency below the threshold expected for the associated phenotype(s). Given the available evidence, this variant is classified as Likely Pathogenic.

NM_001369.3(DNAH5):c.5083C>T (p.Gln1695Ter)

Gene: DNAH5 (dynein axonemal heavy chain 5; minus strand). Cytogenetic location: 5p15.2.
Variant type: single nucleotide variant.
Coding change: c.5083C>T on transcript NM_001369.3 (MANE Select); coding-DNA position 5083, C replaced by T.
Protein change: p.Gln1695Ter; replaces glutamine 1695 with a stop codon.
Molecular consequence: nonsense.
Genome position (GRCh38, 1-based): chr5:13,850,683, G>A on the plus strand (C>T on the coding strand, the complement: DNAH5 is on the minus strand). VCF-style: chr5-13850683-G-A. GRCh37 (hg19) VCF-style: chr5-13850792-G-A.
Other names: short protein forms Q1695*.
Identifiers: ClinVar variation 4814894 (VCV004814894.1).